The following is an entry in ClinVar:

NM_033028.5(BBS4):c.926A>C (p.Asn309Thr)

Gene: BBS4 (Bardet-Biedl syndrome 4; plus strand). Cytogenetic location: 15q24.1.
Variant type: single nucleotide variant.
Coding change: c.926A>C on transcript NM_033028.5 (MANE Select); coding-DNA position 926, A replaced by C.
Protein change: p.Asn309Thr; replaces asparagine 309 with threonine.
Molecular consequence: missense variant. On other transcripts: non-coding transcript variant (2).
Genome position (GRCh38, 1-based): chr15:72,731,616, A>C. VCF-style: chr15-72731616-A-C. GRCh37 (hg19) VCF-style: chr15-73023957-A-C.
Other names: c.410A>C, p.Asn137Thr (NM_001252678.2); c.857A>C, p.Asn286Thr (NM_001320665.2); short protein forms N286T, N137T, N309T.
Identifiers: ClinVar variation 941472 (VCV000941472.8), dbSNP rs1178593849, ClinGen allele CA393078857.

ClinVar aggregate classification (germline): Uncertain significance (1 of 4 stars; one submission).

Conditions:
Bardet-Biedl syndrome (BBS). Identifiers: Orphanet 110, MedGen C0752166, MONDO:0015229.

Allele frequency attached by ClinVar (database versions not stated): TOPMed below 0.00001; gnomAD 0.00001.
gnomAD v4.1: 2 of 1,614,040 alleles (0.00012%); highest among the groups gnomAD compares: Admixed American, 0.0017%; no homozygotes.

Submission:

Labcorp Genetics (formerly Invitae), Labcorp
Classification: Uncertain significance for Bardet-Biedl syndrome. Last evaluated: 2022-02-10. Review status: criteria provided, single submitter. Criteria: Invitae Variant Classification Sherloc (09022015). Collection method: clinical testing. Allele origin: germline.
Comment: Algorithms developed to predict the effect of missense changes on protein structure and function are either unavailable or do not agree on the potential impact of this missense change (SIFT: "Deleterious"; PolyPhen-2: "Probably Damaging"; Align-GVGD: "Class C0"). ClinVar contains an entry for this variant (Variation ID: 941472). This variant has not been reported in the literature in individuals affected with BBS4-related conditions. This variant is not present in population databases (gnomAD no frequency). This sequence change replaces asparagine, which is neutral and polar, with threonine, which is neutral and polar, at codon 309 of the BBS4 protein (p.Asn309Thr). In summary, the available evidence is currently insufficient to determine the role of this variant in disease. Therefore, it has been classified as a Variant of Uncertain Significance.